The following is an entry in ClinVar:

ClinVar aggregate classification (germline): Pathogenic (1 of 4 stars; one submission).

Conditions:
Maturity-onset diabetes of the young type 3. Also called: MODY type 3; MODY, type III. Identifiers: Orphanet 552, MedGen C1838100, MeSH C563933, MONDO:0010894, OMIM 600496. Disease mechanism: loss of function.

Allele frequency attached by ClinVar (database versions not stated): gnomAD exomes below 0.00001.

Submission:

Geisinger Clinic, Geisinger Health System
Classification: Pathogenic for Maturity-onset diabetes of the young type 3. Last evaluated: 2022-08-02. Review status: criteria provided, single submitter. Criteria: ACMG Guidelines, 2015. Collection method: research. Allele origin: germline. Inheritance: Autosomal dominant inheritance. Affected: yes. Observed: 2 variant alleles.
Comment: PVS1, PM2

Literature cited by the submitters: PubMed 36257325.

NM_000545.8(HNF1A):c.1726C>T (p.Gln576Ter)

Gene: HNF1A (HNF1 homeobox A; plus strand). Cytogenetic location: 12q24.31.
Variant type: single nucleotide variant.
Coding change: c.1726C>T on transcript NM_000545.8 (MANE Select); coding-DNA position 1726, C replaced by T.
Protein change: p.Gln576Ter; replaces glutamine 576 with a stop codon.
Molecular consequence: nonsense.
Genome position (GRCh38, 1-based): chr12:120,999,585, C>T. VCF-style: chr12-120999585-C-T. GRCh37 (hg19) VCF-style: chr12-121437388-C-T.
Other names: c.1747C>T, p.Gln583Ter (NM_001306179.2); short protein forms Q576*, Q583*.
Identifiers: ClinVar variation 1700670 (VCV001700670.2), dbSNP rs1877318758, ClinGen allele CA386973230.